The following is an entry in ClinVar:

NM_000038.6(APC):c.2336del (p.Asn778_Leu779insTer)

Gene: APC (APC regulator of Wnt signaling pathway; plus strand). Cytogenetic location: 5q22.2.
Variant type: Deletion.
Coding change: c.2336del on transcript NM_000038.6 (MANE Select); coding-DNA position 2336, one base deleted (T; older notation c.2336delT).
Protein change: p.Asn778_Leu779insTer.
Molecular consequence: nonsense.
Genome position (GRCh38, 1-based): chr5:112,837,930, T deleted; the last of 3 consecutive T bases (chr5:112,837,928-112,837,930); deleting any one gives the same sequence. VCF-style (leftmost placement, unchanged base first): chr5-112837927-AT-A. GRCh37 (hg19) VCF-style: chr5-112173624-AT-A.
Other names: c.2336del, p.Asn778_Leu779insTer (NM_001127510.3, NM_001354895.2); c.2282del, p.Asn760_Leu761insTer (NM_001127511.3); c.2390del, p.Asn796_Leu797insTer (NM_001354896.2); c.2366del, p.Asn788_Leu789insTer (NM_001354897.2); c.2261del, p.Asn753_Leu754insTer (NM_001354898.2); c.2252del, p.Asn750_Leu751insTer (NM_001354899.2); c.2213del, p.Asn737_Leu738insTer (NM_001354900.2); c.2159del, p.Asn719_Leu720insTer (NM_001354901.2); and 6 more.
Identifiers: ClinVar variation 656189 (VCV000656189.13), dbSNP rs1554084079, ClinGen allele CA915942617.
Genomic context (GRCh38, chr5:112,837,927, plus strand): 5'-AAGCCCTAGAAGCAGAATTAGATGCTCAGCACTTATCAGAAACTTTTGACAATATAGACA[AT>A]TTAAGTCCCAAGGCATCTCATCGTAGTAAGCAGAGACACAAGCAAAGTCTCTATGGTGAT-3'

ClinVar aggregate classification (germline): Pathogenic. Review status: criteria provided, multiple submitters, no conflicts (2 of 4 stars). 2 submissions from 2 submitters: Pathogenic (2). Last evaluated 2024-04-10.

Conditions:
Familial adenomatous polyposis 1 (FAP1). Also called: FAMILIAL ADENOMATOUS POLYPOSIS 1, ATTENUATED; POLYPOSIS, ADENOMATOUS INTESTINAL. Identifiers: MedGen C2713442, MONDO:0021056, OMIM 175100. Disease mechanism: loss of function.

Submissions (2):

Labcorp Genetics (formerly Invitae), Labcorp
Classification: Pathogenic for Familial adenomatous polyposis 1. Last evaluated: 2024-04-10. Review status: criteria provided, single submitter. Criteria: Invitae Variant Classification Sherloc (09022015). Collection method: clinical testing. Allele origin: germline.
Comment: This sequence change creates a premature translational stop signal (p.Leu779*) in the APC gene. While this is not anticipated to result in nonsense mediated decay, it is expected to disrupt the last 2065 amino acid(s) of the APC protein. This variant is not present in population databases (gnomAD no frequency). This variant has not been reported in the literature in individuals affected with APC-related conditions. ClinVar contains an entry for this variant (Variation ID: 656189). This variant is expected to disrupt the EB1 and HDLG binding sites, which mediate interactions with the cytoskeleton (PMID: 15311282, 17293347). While functional studies have not been performed to directly test the effect on APC protein function, this suggests that disruption of the C-terminal portion of the protein is functionally important. A different truncation (p.Tyr2645Lysfs*14) that lies downstream of this variant has been determined to be pathogenic (PMID: 9824584, 1316610, 27081525, 8381579, 22135120, Invitae). This suggests that deletion of this region of the APC protein is causative of disease. For these reasons, this variant has been classified as Pathogenic.

Myriad Genetics, Inc.
Classification: Pathogenic for Familial adenomatous polyposis 1. Last evaluated: 2023-05-04. Review status: criteria provided, single submitter. Criteria: Myriad Autosomal Dominant, Autosomal Recessive and X-Linked Classification Criteria (2023). Collection method: clinical testing. Allele origin: unknown.
Comment: This variant is considered pathogenic. This variant creates a termination codon and is predicted to result in premature protein truncation.

Literature cited by the submitters: PubMed 15311282 (cited by Labcorp Genetics (formerly Invitae), Labcorp); PubMed 17293347 (cited by Labcorp Genetics (formerly Invitae), Labcorp); PubMed 9824584 (cited by Labcorp Genetics (formerly Invitae), Labcorp); PubMed 1316610 (cited by Labcorp Genetics (formerly Invitae), Labcorp); PubMed 27081525 (cited by Labcorp Genetics (formerly Invitae), Labcorp); PubMed 8381579 (cited by Labcorp Genetics (formerly Invitae), Labcorp); PubMed 22135120 (cited by Labcorp Genetics (formerly Invitae), Labcorp).